The following is an entry in ClinVar:

NM_000057.4(BLM):c.2673G>T (p.Gly891=)

Gene: BLM (BLM RecQ like helicase; plus strand). Cytogenetic location: 15q26.1.
Variant type: single nucleotide variant.
Coding change: c.2673G>T on transcript NM_000057.4 (MANE Select); coding-DNA position 2673, G replaced by T.
Protein change: p.Gly891=; no amino-acid change (glycine 891 retained).
Molecular consequence: synonymous variant.
Genome position (GRCh38, 1-based): chr15:90,784,931, G>T. VCF-style: chr15-90784931-G-T. GRCh37 (hg19) VCF-style: chr15-91328161-G-T.
Other names: c.2673G>T, p.Gly891= (NM_001287246.2, NM_001287247.2); c.1548G>T, p.Gly516= (NM_001287248.2).
Identifiers: ClinVar variation 2135144 (VCV002135144.2), dbSNP rs2505501246, ClinGen allele CA492162452.

ClinVar aggregate classification (germline): Uncertain significance (1 of 4 stars; one submission).

Conditions:
Bloom syndrome (BLM). Also called: Bloom-Torre-Machacek syndrome. Identifiers: Orphanet 125, MedGen C0005859, MONDO:0008876, OMIM 210900.

Submission:

Labcorp Genetics (formerly Invitae), Labcorp
Classification: Uncertain significance for Bloom syndrome. Last evaluated: 2025-05-13. Review status: criteria provided, single submitter. Criteria: Invitae Variant Classification Sherloc (09022015). Collection method: clinical testing. Allele origin: germline.
Comment: This sequence change affects codon 891 of the BLM mRNA. It is a 'silent' change, meaning that it does not change the encoded amino acid sequence of the BLM protein. This variant is not present in population databases (gnomAD no frequency). This variant has not been reported in the literature in individuals affected with BLM-related conditions. ClinVar contains an entry for this variant (Variation ID: 2135144). Algorithms developed to predict the effect of sequence changes on RNA splicing suggest that this variant may disrupt the consensus splice site. In summary, the available evidence is currently insufficient to determine the role of this variant in disease. Therefore, it has been classified as a Variant of Uncertain Significance.